The following is an entry in ClinVar:

NM_014363.6(SACS):c.9692G>T (p.Cys3231Phe)

Gene: SACS (sacsin molecular chaperone; minus strand). Cytogenetic location: 13q12.12.
Variant type: single nucleotide variant.
Coding change: c.9692G>T on transcript NM_014363.6 (MANE Select); coding-DNA position 9692, G replaced by T.
Protein change: p.Cys3231Phe; replaces cysteine 3231 with phenylalanine.
Molecular consequence: missense variant.
Genome position (GRCh38, 1-based): chr13:23,334,184, C>A on the plus strand (G>T on the coding strand, the complement: SACS is on the minus strand). VCF-style: chr13-23334184-C-A. GRCh37 (hg19) VCF-style: chr13-23908323-C-A.
Other names: p.Cys3231Phe; c.9251G>T, p.Cys3084Phe (NM_001278055.2); short protein forms C3231F, C3084F.
Identifiers: ClinVar variation 2389105 (VCV002389105.4), dbSNP rs777097951, ClinGen allele CA387513875.

ClinVar aggregate classification (germline): Conflicting classifications of pathogenicity. Review status: criteria provided, conflicting classifications (1 of 4 stars). 3 submissions from 3 submitters: Uncertain significance (2); Likely benign (1). Last evaluated 2025-12-22.

Conditions:
Inborn genetic diseases. Identifiers: MedGen C0950123, MeSH D030342.
Spastic paraplegia. Identifiers: MedGen C0037772, HP:0001258.

Allele frequency attached by ClinVar (database versions not stated): gnomAD 0.00001; TOPMed 0.00001.
gnomAD v4.1: 8 of 1,613,710 alleles (0.0005%); highest among the groups gnomAD compares: African/African-American, 0.0013%; no homozygotes.

Submissions (3):

Labcorp Genetics (formerly Invitae), Labcorp
Classification: Likely benign for Spastic paraplegia. Last evaluated: 2025-12-22. Review status: criteria provided, single submitter. Criteria: Invitae Variant Classification Sherloc (09022015). Collection method: clinical testing. Allele origin: germline.

Mayo Clinic Laboratories, Mayo Clinic
Classification: Uncertain significance. Last evaluated: 2025-02-02. Review status: criteria provided, single submitter. Criteria: ACMG Guidelines, 2015. Collection method: clinical testing. Allele origin: germline. Observed: 1 variant allele.
Comment: BP4

Ambry Genetics
Classification: Uncertain significance for Inborn genetic diseases. Last evaluated: 2020-12-11. Review status: criteria provided, single submitter. Criteria: Ambry Variant Classification Scheme 2023. Collection method: clinical testing. Allele origin: germline.
Comment: The c.9692G>T (p.C3231F) alteration is located in exon 10 (coding exon 9) of the SACS gene. This alteration results from a G to T substitution at nucleotide position 9692, causing the cysteine (C) at amino acid position 3231 to be replaced by a phenylalanine (F). The p.C3231F alteration is predicted to be tolerated by in silico analysis. Based on insufficient or conflicting evidence, the clinical significance of this alteration remains unclear.